The following is an entry in ClinVar:

NM_001077653.2(TBX20):c.236C>T (p.Ser79Phe)

Gene: TBX20 (T-box transcription factor 20; minus strand). Cytogenetic location: 7p14.2.
Variant type: single nucleotide variant.
Coding change: c.236C>T on transcript NM_001077653.2 (MANE Select); coding-DNA position 236, C replaced by T.
Protein change: p.Ser79Phe; replaces serine 79 with phenylalanine.
Molecular consequence: missense variant.
Genome position (GRCh38, 1-based): chr7:35,250,095, G>A on the plus strand (C>T on the coding strand, the complement: TBX20 is on the minus strand). VCF-style: chr7-35250095-G-A. GRCh37 (hg19) VCF-style: chr7-35289707-G-A.
Other names: c.236C>T, p.Ser79Phe (NM_001166220.1); short protein forms S79F.
Identifiers: ClinVar variation 2713296 (VCV002713296.3), dbSNP rs773910992, ClinGen allele CA367265199.

ClinVar aggregate classification (germline): Uncertain significance (1 of 4 stars; one submission).

Allele frequency attached by ClinVar (database versions not stated): gnomAD 0.00001; TOPMed 0.00001.
gnomAD v4.1: 8 of 1,613,720 alleles (0.0005%); highest among the groups gnomAD compares: Non-Finnish European, 0.00068%; no homozygotes.

Submission:

Labcorp Genetics (formerly Invitae), Labcorp
Classification: Uncertain significance. Last evaluated: 2025-09-08. Review status: criteria provided, single submitter. Criteria: Invitae Variant Classification Sherloc (09022015). Collection method: clinical testing. Allele origin: germline.
Comment: This sequence change replaces serine, which is neutral and polar, with phenylalanine, which is neutral and non-polar, at codon 79 of the TBX20 protein (p.Ser79Phe). This variant is not present in population databases (gnomAD no frequency). This variant has not been reported in the literature in individuals affected with TBX20-related conditions. ClinVar contains an entry for this variant (Variation ID: 2713296). An algorithm developed to predict the effect of missense changes on protein structure and function (PolyPhen-2) suggests that this variant is likely to be tolerated. In summary, the available evidence is currently insufficient to determine the role of this variant in disease. Therefore, it has been classified as a Variant of Uncertain Significance.